The following is an entry in ClinVar:

NM_015267.4(CUX2):c.724A>G (p.Ile242Val)

Gene: CUX2 (cut like homeobox 2; plus strand). Cytogenetic location: 12q24.11.
Variant type: single nucleotide variant.
Coding change: c.724A>G on transcript NM_015267.4 (MANE Select); coding-DNA position 724, A replaced by G.
Protein change: p.Ile242Val; replaces isoleucine 242 with valine.
Molecular consequence: missense variant.
Genome position (GRCh38, 1-based): chr12:111,298,560, A>G. VCF-style: chr12-111298560-A-G. GRCh37 (hg19) VCF-style: chr12-111736364-A-G.
Other names: c.538A>G, p.Ile180Val (NM_001370598.1); short protein forms I180V, I242V.
Identifiers: ClinVar variation 1675511 (VCV001675511.33), dbSNP rs2136346221, ClinGen allele CA386723361.

ClinVar aggregate classification (germline): Uncertain significance (1 of 4 stars; one submission).

Allele frequency attached by ClinVar (database versions not stated): gnomAD exomes below 0.00001.
gnomAD v4.1: 1 of 1,580,340 alleles (0.000063%); highest among the groups gnomAD compares: South Asian, 0.0012%; no homozygotes.

Submission:

CeGaT Center for Human Genetics Tuebingen
Classification: Uncertain significance. Last evaluated: 2022-03-01. Review status: criteria provided, single submitter. Criteria: CeGaT Center For Human Genetics Tuebingen Variant Classification Criteria Version 2. Collection method: clinical testing. Allele origin: germline. Affected: yes. Observed: 1 variant allele.
Comment: CUX2: PM2